The following is an entry in ClinVar:

NM_006341.4(MAD2L2):c.343C>A (p.Leu115Met)

Gene: MAD2L2 (mitotic arrest deficient 2 like 2; minus strand). Cytogenetic location: 1p36.22.
Variant type: single nucleotide variant.
Coding change: c.343C>A on transcript NM_006341.4 (MANE Select); coding-DNA position 343, C replaced by A.
Protein change: p.Leu115Met; replaces leucine 115 with methionine.
Molecular consequence: missense variant.
Genome position (GRCh38, 1-based): chr1:11,676,130, G>T on the plus strand (C>A on the coding strand, the complement: MAD2L2 is on the minus strand). VCF-style: chr1-11676130-G-T. GRCh37 (hg19) VCF-style: chr1-11736187-G-T.
Other names: c.343C>A, p.Leu115Met (NM_001127325.2); short protein forms L115M.
Identifiers: ClinVar variation 3639896 (VCV003639896.2).

ClinVar aggregate classification (germline): Uncertain significance (1 of 4 stars; one submission).

Submission:

Labcorp Genetics (formerly Invitae), Labcorp
Classification: Uncertain significance. Last evaluated: 2024-02-09. Review status: criteria provided, single submitter. Criteria: Invitae Variant Classification Sherloc (09022015). Collection method: clinical testing. Allele origin: germline.
Comment: This sequence change replaces leucine, which is neutral and non-polar, with methionine, which is neutral and non-polar, at codon 115 of the MAD2L2 protein (p.Leu115Met). This variant is not present in population databases (gnomAD no frequency). This variant has not been reported in the literature in individuals affected with MAD2L2-related conditions. An algorithm developed to predict the effect of missense changes on protein structure and function (PolyPhen-2) suggests that this variant is likely to be tolerated. In summary, the available evidence is currently insufficient to determine the role of this variant in disease. Therefore, it has been classified as a Variant of Uncertain Significance.